The following is an entry in ClinVar:

NM_000355.4(TCN2):c.466C>T (p.Gln156Ter)

Gene: TCN2 (transcobalamin 2; plus strand). Cytogenetic location: 22q12.2.
Variant type: single nucleotide variant.
Coding change: c.466C>T on transcript NM_000355.4 (MANE Select); coding-DNA position 466, C replaced by T.
Protein change: p.Gln156Ter; replaces glutamine 156 with a stop codon.
Molecular consequence: nonsense.
Genome position (GRCh38, 1-based): chr22:30,614,387, C>T. VCF-style: chr22-30614387-C-T. GRCh37 (hg19) VCF-style: chr22-31010374-C-T.
Other names: c.385C>T, p.Gln129Ter (NM_001184726.2); short protein forms Q129*, Q156*.
Identifiers: ClinVar variation 2891030 (VCV002891030.3), dbSNP rs2087582545, ClinGen allele CA411210626.

ClinVar aggregate classification (germline): Pathogenic (1 of 4 stars; one submission).

Conditions:
Transcobalamin II deficiency (TCN2D). Also called: Transcolabamin II deficiency; TC II DEFICIENCY; TCN2 DEFICIENCY. Identifiers: Orphanet 859, MedGen C0342701, MONDO:0010149, OMIM 275350.

Allele frequency attached by ClinVar (database versions not stated): gnomAD exomes below 0.00001; gnomAD 0.00001.

Submission:

Labcorp Genetics (formerly Invitae), Labcorp
Classification: Pathogenic for Transcobalamin II deficiency. Last evaluated: 2023-05-11. Review status: criteria provided, single submitter. Criteria: Invitae Variant Classification Sherloc (09022015). Collection method: clinical testing. Allele origin: germline.
Comment: For these reasons, this variant has been classified as Pathogenic. This variant has not been reported in the literature in individuals affected with TCN2-related conditions. This variant is not present in population databases (gnomAD no frequency). This sequence change creates a premature translational stop signal (p.Gln156*) in the TCN2 gene. It is expected to result in an absent or disrupted protein product. Loss-of-function variants in TCN2 are known to be pathogenic (PMID: 7980584, 20352340).

Literature cited by the submitters: PubMed 7980584; PubMed 20352340.